The following is an entry in ClinVar:

ClinVar aggregate classification (germline): Pathogenic. Review status: criteria provided, multiple submitters, no conflicts (2 of 4 stars). 5 submissions from 5 submitters: Pathogenic (3). 2 of the submissions do not count toward it. Last evaluated 2022-12-06.

Conditions:
Marfan syndrome (MFS). Also called: MARFAN SYNDROME, TYPE I; FBN1-Related Marfan Syndrome; Marfan syndrome, classic; Marfan syndrome type 1; Marfan's syndrome. Identifiers: Orphanet 284963, Orphanet 558, MedGen C0024796, MONDO:0007947, OMIM 154700.
Familial thoracic aortic aneurysm and aortic dissection (TAAD). Also called: Thoracic aortic aneurysms and dissections. Identifiers: Orphanet 91387, MedGen C4707243, MONDO:0019625.
FBN1-related disorder. Also called: FBN1-related disorders.

Submissions (5):

Labcorp Genetics (formerly Invitae), Labcorp
Classification: Pathogenic for Marfan syndrome; Familial thoracic aortic aneurysm and aortic dissection. Last evaluated: 2022-12-06. Review status: criteria provided, single submitter. Criteria: Invitae Variant Classification Sherloc (09022015). Collection method: clinical testing. Allele origin: germline.
Comment: This missense change has been observed in individuals with Marfan syndrome (PMID: 9401003, 10756346, 21542060). ClinVar contains an entry for this variant (Variation ID: 200115). Advanced modeling of protein sequence and biophysical properties (such as structural, functional, and spatial information, amino acid conservation, physicochemical variation, residue mobility, and thermodynamic stability) performed at Invitae indicates that this missense variant is expected to disrupt FBN1 protein function. This variant affects a cysteine residue in the EGF-like, TGFBP or hybrid motif domains of FBN1. Cysteine residues are believed to be involved in intramolecular disulfide bridges and have been shown to be important for FBN1 protein structure (PMID: 16905551, 19349279). In addition, missense substitutions affecting cysteine residues within these domains are significantly overrepresented among patients with Marfan syndrome (PMID: 16571647, 17701892). For these reasons, this variant has been classified as Pathogenic. This sequence change replaces cysteine, which is neutral and slightly polar, with arginine, which is basic and polar, at codon 2511 of the FBN1 protein (p.Cys2511Arg). This variant is not present in population databases (gnomAD no frequency).

Centre of Medical Genetics, University of Antwerp
Classification: Pathogenic for Marfan syndrome. Last evaluated: 2021-03-01. Review status: criteria provided, single submitter. Criteria: Submitter's publication. Collection method: research. Allele origin: unknown. Affected: yes.
Comment: PM2, PVS2, PP4

GeneDx
Classification: Pathogenic. Last evaluated: 2020-12-15. Review status: criteria provided, single submitter. Criteria: GeneDx Variant Classification Process June 2021. Collection method: clinical testing. Allele origin: germline. Affected: yes.
Comment: Not observed in large population cohorts (Lek et al., 2016); Affects a cysteine residue within a calcium-binding EGF-like domain of the FBN1 gene, which may affect disulfide bonding and is predicted to alter the structure and function of the protein; cysteine substitutions in the calcium-binding EGF-like domains represent the majority of pathogenic missense changes associated with FBN1-related disorders (Collod-Beroud et al., 2003); In silico analysis supports that this missense variant has a deleterious effect on protein structure/function; Reported in ClinVar as pathogenic or likely pathogenic (ClinVar Variant ID# 200115; Landrum et al., 2016); This variant is associated with the following publications: (PMID: 11826022, 9338581, 21542060, 24941995, 8136837, 32154576)

PreventionGenetics, part of Exact Sciences
Classification: Pathogenic for FBN1-related condition. Last evaluated: 2024-01-30. Review status: no assertion criteria provided. Collection method: clinical testing. Allele origin: germline. Not counted in ClinVar's aggregate classification.
Comment: The FBN1 c.7531T>C variant is predicted to result in the amino acid substitution p.Cys2511Arg. This variant was reported in multiple individuals with Marfan syndrome or nonsyndromic aortic dissection (described as C1613R in Table 1, Kainulainen et al. 1994. PubMed ID: 8136837; Table S1A, Meester et al. 2022. PubMed ID: 35058154; Pan et al. 2022. PubMed ID: 35154271). This variant substitutes a cysteine residue that is located within the epidermal growth factor-like domain of the FBN1 protein. Missense variants in FBN1 that substitute or create a cysteine residue are well-documented to cause Marfan syndrome (Dietz and Dietz. 1993. PubMed ID: 20301510; Comeglio et al. 2007. PubMed ID: 17657824; Stheneur et al. 2009. PubMed ID: 19293843). This variant has not been reported in a large population database, indicating this variant is rare. This variant is interpreted as pathogenic.

Center for Medical Genetics Ghent, University of Ghent
Classification: Likely pathogenic for Marfan syndrome. Last evaluated: 2017-11-07. Review status: no assertion criteria provided. Collection method: clinical testing. Allele origin: germline. Affected: yes. Not counted in ClinVar's aggregate classification.

Literature cited by the submitters: PubMed 9401003 (cited by Labcorp Genetics (formerly Invitae), Labcorp); PubMed 10756346 (cited by Labcorp Genetics (formerly Invitae), Labcorp); PubMed 21542060 (cited by Labcorp Genetics (formerly Invitae), Labcorp); PubMed 16905551 (cited by Labcorp Genetics (formerly Invitae), Labcorp); PubMed 19349279 (cited by Labcorp Genetics (formerly Invitae), Labcorp); PubMed 16571647 (cited by Labcorp Genetics (formerly Invitae), Labcorp); PubMed 17701892 (cited by Labcorp Genetics (formerly Invitae), Labcorp).

NM_000138.5(FBN1):c.7531T>C (p.Cys2511Arg)

Gene: FBN1 (fibrillin 1; minus strand). Cytogenetic location: 15q21.1.
Variant type: single nucleotide variant.
Coding change: c.7531T>C on transcript NM_000138.5 (MANE Select); coding-DNA position 7531, T replaced by C.
Protein change: p.Cys2511Arg; replaces cysteine 2511 with arginine.
Molecular consequence: missense variant.
Genome position (GRCh38, 1-based): chr15:48,421,991, A>G on the plus strand (T>C on the coding strand, the complement: FBN1 is on the minus strand). VCF-style: chr15-48421991-A-G. GRCh37 (hg19) VCF-style: chr15-48714188-A-G.
Other names: p.C2511R:TGT>CGT; short protein forms C2511R.
Identifiers: ClinVar variation 200115 (VCV000200115.27), dbSNP rs794728272, ClinGen allele CA017244.
Genomic context (GRCh38, chr15:48,421,991, plus strand): 5'-ATTTTTTCCTCTCCTACTCACCAATGCAGGACGTATGGTGTTGGGTAAATCCGGGAGGAC[A>G]TTTGCATGTGAAGCCGCCAATGGTGTTAACACATAGGAACTGGCAGTTGTGTTGCTTGGT-3'
Protein context (NP_000129.3, residues 2501-2521): VNTIGGFTCK[Cys2511Arg]PPGFTQHHTS